The following is an entry in ClinVar:

NM_007055.4(POLR3A):c.1029A>T (p.Gln343His)

Gene: POLR3A (RNA polymerase III subunit A; minus strand). Cytogenetic location: 10q22.3.
Variant type: single nucleotide variant.
Coding change: c.1029A>T on transcript NM_007055.4 (MANE Select); coding-DNA position 1029, A replaced by T.
Protein change: p.Gln343His; replaces glutamine 343 with histidine.
Molecular consequence: missense variant.
Genome position (GRCh38, 1-based): chr10:78,021,879, T>A on the plus strand (A>T on the coding strand, the complement: POLR3A is on the minus strand). VCF-style: chr10-78021879-T-A. GRCh37 (hg19) VCF-style: chr10-79781637-T-A.
Other names: short protein forms Q343H.
Identifiers: ClinVar variation 1306079 (VCV001306079.8), dbSNP rs774558569, ClinGen allele CA5571570.

ClinVar aggregate classification (germline): Uncertain significance. Review status: criteria provided, multiple submitters, no conflicts (2 of 4 stars). 3 submissions from 3 submitters: Uncertain significance (3). Last evaluated 2025-08-28.

Conditions:
Inborn genetic diseases. Identifiers: MedGen C0950123, MeSH D030342.

Allele frequency attached by ClinVar (database versions not stated): gnomAD 0.00001; TOPMed 0.00003; ExAC 0.00001.
gnomAD v4.1: 2 of 1,613,910 alleles (0.00012%); highest among the groups gnomAD compares: Admixed American, 0.0017%; no homozygotes.

Submissions (3):

Ambry Genetics
Classification: Uncertain significance for Inborn genetic diseases. Last evaluated: 2025-08-28. Review status: criteria provided, single submitter. Criteria: Ambry Variant Classification Scheme 2023. Collection method: clinical testing. Allele origin: germline.

Labcorp Genetics (formerly Invitae), Labcorp
Classification: Uncertain significance. Last evaluated: 2021-08-24. Review status: criteria provided, single submitter. Criteria: Invitae Variant Classification Sherloc (09022015). Collection method: clinical testing. Allele origin: germline.
Comment: This sequence change replaces glutamine with histidine at codon 343 of the POLR3A protein (p.Gln343His). The glutamine residue is highly conserved and there is a small physicochemical difference between glutamine and histidine. This variant is present in population databases (rs774558569, ExAC 0.001%). This variant has not been reported in the literature in individuals affected with POLR3A-related conditions. Algorithms developed to predict the effect of missense changes on protein structure and function are either unavailable or do not agree on the potential impact of this missense change (SIFT: "Deleterious"; PolyPhen-2: "Probably Damaging"; Align-GVGD: "Class C0"). In summary, the available evidence is currently insufficient to determine the role of this variant in disease. Therefore, it has been classified as a Variant of Uncertain Significance.

GeneDx
Classification: Uncertain significance. Last evaluated: 2019-06-13. Review status: criteria provided, single submitter. Criteria: GeneDx Variant Classification Process June 2021. Collection method: clinical testing. Allele origin: germline. Affected: yes.
Comment: In silico analysis, which includes protein predictors and evolutionary conservation, supports a deleterious effect; Has not been previously published as pathogenic or benign to our knowledge